The following is an entry in ClinVar:

ClinVar aggregate classification (germline): Uncertain significance (1 of 4 stars; one submission).

Conditions:
Brachyolmia-amelogenesis imperfecta syndrome. Also called: Tooth agenesis, selective, 6; Dental anomalies and short stature; PLATYSPONDYLY WITH AMELOGENESIS IMPERFECTA. Identifiers: Orphanet 2899, MedGen C1832594, MONDO:0011018, OMIM 601216. Disease mechanism: loss of function.

Submission:

Labcorp Genetics (formerly Invitae), Labcorp
Classification: Uncertain significance for Brachyolmia-amelogenesis imperfecta syndrome. Last evaluated: 2022-02-08. Review status: criteria provided, single submitter. Criteria: Invitae Variant Classification Sherloc (09022015). Collection method: clinical testing. Allele origin: germline.
Comment: This variant has not been reported in the literature in individuals affected with LTBP3-related conditions. In summary, the available evidence is currently insufficient to determine the role of this variant in disease. Therefore, it has been classified as a Variant of Uncertain Significance. Algorithms developed to predict the effect of missense changes on protein structure and function are either unavailable or do not agree on the potential impact of this missense change (SIFT: "Not Available"; PolyPhen-2: "Possibly Damaging"; Align-GVGD: "Not Available"). Information on the frequency of this variant in the gnomAD database is not available, as this variant may be reported differently in the database. This sequence change replaces arginine with leucine at codon 1168 of the LTBP3 protein (p.Arg1168Leu). The arginine residue is highly conserved and there is a moderate physicochemical difference between arginine and leucine.

NM_001130144.3(LTBP3):c.3503_3504delinsTT (p.Arg1168Leu)

Gene: LTBP3 (latent transforming growth factor beta binding protein 3; minus strand). Cytogenetic location: 11q13.1.
Variant type: Indel.
Coding change: c.3503_3504delinsTT on transcript NM_001130144.3 (MANE Select); coding-DNA positions 3503 to 3504, GC replaced by TT.
Protein change: p.Arg1168Leu; replaces arginine 1168 with leucine.
Molecular consequence: missense variant.
Genome position (GRCh38, 1-based): chr11:65,539,763-65,539,764, GC replaced by AA on the plus strand (GC replaced by TT on the coding strand, the reverse complement: LTBP3 is on the minus strand). VCF-style: chr11-65539763-GC-AA. GRCh37 (hg19) VCF-style: chr11-65307234-GC-AA.
Other names: c.3011_3012delinsTT, p.Arg1004Leu (NM_001164266.1); c.3362_3363delinsTT, p.Arg1121Leu (NM_021070.4); short protein forms R1004L, R1121L, R1168L.
Identifiers: ClinVar variation 1511781 (VCV001511781.6), dbSNP rs2135118245, ClinGen allele CA2573147468.
Genomic context (GRCh38, chr11:65,539,763, plus strand): 5'-CTCCCCGACTGCCTTACCCGCGCCGCGCGGCGGGCACGGTCGGCATTGGGCGCCCCAGCC[GC>AA]GGCCCTGGCGGCAGCAGCAGTCGTCGAAGGTGAGGGCAGGCCCGGCCAGGGGGCCAGCGC-3'
Protein context (NP_001123616.1, residues 1158-1178): TFDDCCCRQG[Arg1168Leu]GWGAQCRPCP